The following is an entry in ClinVar:

NM_130810.4(DNAAF4):c.4C>T (p.Pro2Ser)

Genes: DNAAF4 (dynein axonemal assembly factor 4; minus strand), DNAAF4-CCPG1 (DNAAF4-CCPG1 readthrough (NMD candidate); minus strand). Cytogenetic location: 15q21.3.
Variant type: single nucleotide variant.
Coding change: c.4C>T on transcript NM_130810.4 (MANE Select); coding-DNA position 4, C replaced by T.
Protein change: p.Pro2Ser; replaces proline 2 with serine.
Molecular consequence: missense variant. On other transcripts: non-coding transcript variant (1).
Genome position (GRCh38, 1-based): chr15:55,498,326, G>A on the plus strand (C>T on the coding strand, the complement: DNAAF4 is on the minus strand). VCF-style: chr15-55498326-G-A. GRCh37 (hg19) VCF-style: chr15-55790524-G-A.
Other names: c.4C>T, p.Pro2Ser (NM_001033559.3, NM_001033560.2); short protein forms P2S.
Identifiers: ClinVar variation 578519 (VCV000578519.11), dbSNP rs143493699, ClinGen allele CA7575184.
Genomic context (GRCh38, chr15:55,498,326, plus strand): 5'-GCAGAGACAGAAAGACCGCAGTCTTCGTCTGCTGCCAGCTGTAATCGCTAACCTGAAGAG[G>A]CATTCCGGTAGCAACGGGAGCGGATAGCGCGGCTGGTTGCTTCTTGCGCCTGCTTGGTTG-3'
Protein context (NP_570722.2, residues 1-12): M[Pro2Ser]LQVSDYSWQQ

ClinVar aggregate classification (germline): Uncertain significance. Review status: criteria provided, multiple submitters, no conflicts (2 of 4 stars). 5 submissions from 5 submitters: Uncertain significance (5). Last evaluated 2024-10-24.

Conditions:
Dyslexia, susceptibility to, 1. Also called: READING DISABILITY, SPECIFIC, 1; WORD-BLINDNESS, CONGENITAL. Identifiers: MedGen C1851967, MONDO:0007487, OMIM 127700.
Primary ciliary dyskinesia 25 (CILD25). Also called: CILIARY DYSKINESIA, PRIMARY, 25, WITH OR WITHOUT SITUS INVERSUS. Identifiers: Orphanet 244, MedGen C3809641, MONDO:0014203, OMIM 615482.
Primary ciliary dyskinesia. Also called: Ciliary dyskinesia. Identifiers: Orphanet 244, MedGen C0008780, MONDO:0016575, HP:0012265.

Allele frequency attached by ClinVar (database versions not stated): gnomAD exomes 0.00056; gnomAD 0.00075 and 0.00071; ESP Exome Variant Server 0.00116; 1000 Genomes Project 30x 0.00031; 1000 Genomes Project 0.00040; TOPMed 0.00071; ExAC 0.00059.
gnomAD v4.1: 1,905 of 1,601,526 alleles (0.12%); highest among the groups gnomAD compares: Non-Finnish European, 0.15%; 6 homozygotes.

Submissions (5):

Molecular Genetics McLendon Clinical Laboratories, University of North Carolina at Chapel Hill
Classification: Uncertain significance for Primary ciliary dyskinesia. Last evaluated: 2024-10-24. Review status: criteria provided, single submitter. Criteria: ACMG Guidelines, 2015. Collection method: clinical testing. Allele origin: germline.

Labcorp Genetics (formerly Invitae), Labcorp
Classification: Uncertain significance. Last evaluated: 2022-09-01. Review status: criteria provided, single submitter. Criteria: Invitae Variant Classification Sherloc (09022015). Collection method: clinical testing. Allele origin: germline.
Comment: This sequence change replaces proline, which is neutral and non-polar, with serine, which is neutral and polar, at codon 2 of the DNAAF4 protein (p.Pro2Ser). This variant is present in population databases (rs143493699, gnomAD 0.1%), and has an allele count higher than expected for a pathogenic variant. This variant has not been reported in the literature in individuals affected with DNAAF4-related conditions. ClinVar contains an entry for this variant (Variation ID: 578519). Algorithms developed to predict the effect of missense changes on protein structure and function are either unavailable or do not agree on the potential impact of this missense change (SIFT: "Deleterious"; PolyPhen-2: "Probably Damaging"; Align-GVGD: "Class C0"). Algorithms developed to predict the effect of sequence changes on RNA splicing suggest that this variant may create or strengthen a splice site. In summary, the available evidence is currently insufficient to determine the role of this variant in disease. Therefore, it has been classified as a Variant of Uncertain Significance.

Fulgent Genetics
Classification: Uncertain significance for Dyslexia, susceptibility to, 1; Primary ciliary dyskinesia 25. Last evaluated: 2021-11-18. Review status: criteria provided, single submitter. Criteria: ACMG Guidelines, 2015. Collection method: clinical testing. Allele origin: unknown.

UNC Molecular Genetics  Laboratory, University of North Carolina at Chapel Hill
Classification: Uncertain significance for Primary ciliary dyskinesia. Last evaluated: 2018-09-26. Review status: criteria provided, single submitter. Criteria: ACMG Guidelines, 2015. Collection method: clinical testing. Allele origin: germline. Affected: yes. Observed: 1 heterozygote.

Breakthrough Genomics
Classification: Uncertain significance. Review status: criteria provided, single submitter. Criteria: ACMG Guidelines, 2015. Collection method: not provided. Allele origin: germline. Inheritance: Autosomal recessive inheritance. Affected: yes.